The following is an entry in ClinVar:

ClinVar aggregate classification (germline): Uncertain significance (1 of 4 stars; one submission).

Submission:

GeneDx
Classification: Uncertain significance. Last evaluated: 2022-06-14. Review status: criteria provided, single submitter. Criteria: GeneDx Variant Classification Process June 2021. Collection method: clinical testing. Allele origin: germline. Affected: yes.
Comment: Not observed at significant frequency in large population cohorts (gnomAD); In silico analysis supports that this missense variant has a deleterious effect on protein structure/function; Has not been previously published as pathogenic or benign to our knowledge

NM_001378974.1(FBXW11):c.821T>G (p.Ile274Ser)

Gene: FBXW11 (F-box and WD repeat domain containing 11; minus strand). Cytogenetic location: 5q35.1.
Variant type: single nucleotide variant.
Coding change: c.821T>G on transcript NM_001378974.1 (MANE Select); coding-DNA position 821, T replaced by G.
Protein change: p.Ile274Ser; replaces isoleucine 274 with serine.
Molecular consequence: missense variant.
Genome position (GRCh38, 1-based): chr5:171,891,498, A>C on the plus strand (T>G on the coding strand, the complement: FBXW11 is on the minus strand). VCF-style: chr5-171891498-A-C. GRCh37 (hg19) VCF-style: chr5-171318502-A-C.
Other names: c.752T>G, p.Ile251Ser (NM_001378975.1); c.725T>G, p.Ile242Ser (NM_001378976.1); c.662T>G, p.Ile221Ser (NM_001378977.1, NM_001378978.1, NM_001378979.1); c.656T>G, p.Ile219Ser (NM_001378980.1, NM_033645.3); c.758T>G, p.Ile253Ser (NM_012300.3); c.719T>G, p.Ile240Ser (NM_033644.3); short protein forms I219S, I221S, I240S, I242S, I251S, I253S, I274S.
Identifiers: ClinVar variation 1804377 (VCV001804377.1), dbSNP rs2480218010, ClinGen allele CA362209549.
Genomic context (GRCh38, chr5:171,891,498, plus strand): 5'-AATAATACATAAAAAATTCAGTCATTCACCTTAATAGAATTATCTCGTAGGCCACTGATA[A>C]TTTTTTCATCATCGTACTGTAAACAGTAGACACCTTTACTATTTTCAGAGCGGCACTGAA-3'
Protein context (NP_001365903.1, residues 264-284): VYCLQYDDEK[Ile274Ser]ISGLRDNSIK